The following is an entry in ClinVar:

ClinVar aggregate classification (germline): Uncertain significance (1 of 4 stars; one submission).

Conditions:
BAP1-related tumor predisposition syndrome (TPDS1). Also called: Tumor susceptibility linked to germline BAP1 mutations; TUMOR PREDISPOSITION SYNDROME 1; BAP1 tumor predisposition syndrome; COMMON Syndrome. Identifiers: Orphanet 289539, MedGen C3280492, MONDO:0013692, OMIM 614327.

Allele frequency attached by ClinVar (database versions not stated): gnomAD exomes below 0.00001; ExAC 0.00001.

Submission:

Labcorp Genetics (formerly Invitae), Labcorp
Classification: Uncertain significance for BAP1-related tumor predisposition syndrome. Last evaluated: 2024-06-02. Review status: criteria provided, single submitter. Criteria: Invitae Variant Classification Sherloc (09022015). Collection method: clinical testing. Allele origin: germline.
Comment: This sequence change replaces glutamine, which is neutral and polar, with arginine, which is basic and polar, at codon 665 of the BAP1 protein (p.Gln665Arg). This variant is present in population databases (rs767953115, gnomAD 0.0009%). This variant has not been reported in the literature in individuals affected with BAP1-related conditions. Advanced modeling of protein sequence and biophysical properties (such as structural, functional, and spatial information, amino acid conservation, physicochemical variation, residue mobility, and thermodynamic stability) has been performed at Invitae for this missense variant, however the output from this modeling did not meet the statistical confidence thresholds required to predict the impact of this variant on BAP1 protein function. In summary, the available evidence is currently insufficient to determine the role of this variant in disease. Therefore, it has been classified as a Variant of Uncertain Significance.

NM_004656.4(BAP1):c.1994A>G (p.Gln665Arg)

Gene: BAP1 (BRCA1 associated deubiquitinase 1; minus strand). Cytogenetic location: 3p21.1.
Variant type: single nucleotide variant.
Coding change: c.1994A>G on transcript NM_004656.4 (MANE Select); coding-DNA position 1994, A replaced by G.
Protein change: p.Gln665Arg; replaces glutamine 665 with arginine.
Molecular consequence: missense variant.
Genome position (GRCh38, 1-based): chr3:52,402,664, T>C on the plus strand (A>G on the coding strand, the complement: BAP1 is on the minus strand). VCF-style: chr3-52402664-T-C. GRCh37 (hg19) VCF-style: chr3-52436680-T-C.
Other names: c.1940A>G, p.Gln647Arg (NM_001410772.1); short protein forms Q647R, Q665R.
Identifiers: ClinVar variation 2802980 (VCV002802980.3), dbSNP rs767953115, ClinGen allele CA2436623.